The following is an entry in ClinVar:

ClinVar aggregate classification (germline): Likely pathogenic (1 of 4 stars; one submission).

Submission:

Labcorp Genetics (formerly Invitae), Labcorp
Classification: Likely pathogenic. Last evaluated: 2024-08-20. Review status: criteria provided, single submitter. Criteria: Invitae Variant Classification Sherloc (09022015). Collection method: clinical testing. Allele origin: germline.
Comment: This sequence change affects an acceptor splice site in intron 55 of the UNC80 gene. It is expected to disrupt RNA splicing. Variants that disrupt the donor or acceptor splice site typically lead to a loss of protein function (PMID: 16199547), and loss-of-function variants in UNC80 are known to be pathogenic (PMID: 26545877, 26708751, 26708753). This variant is not present in population databases (gnomAD no frequency). This variant has not been reported in the literature in individuals affected with UNC80-related conditions. Algorithms developed to predict the effect of sequence changes on RNA splicing suggest that this variant may disrupt the consensus splice site. In summary, the currently available evidence indicates that the variant is pathogenic, but additional data are needed to prove that conclusively. Therefore, this variant has been classified as Likely Pathogenic.

Literature cited by the submitters: PubMed 16199547; PubMed 26545877; PubMed 26708751; PubMed 26708753.

NM_001371986.1(UNC80):c.8588-2A>G

Gene: UNC80 (unc-80 subunit of NALCN channel complex; plus strand). Cytogenetic location: 2q34.
Variant type: single nucleotide variant.
Coding change: c.8588-2A>G on transcript NM_001371986.1 (MANE Select); the canonical splice acceptor site of the intron before coding-DNA position 8588, A replaced by G.
Molecular consequence: splice acceptor variant.
Genome position (GRCh38, 1-based): chr2:209,976,117, A>G. VCF-style: chr2-209976117-A-G. GRCh37 (hg19) VCF-style: chr2-210840841-A-G.
Other names: c.8390-2A>G (NM_032504.2); c.8375-2A>G (NM_182587.4).
Identifiers: ClinVar variation 3646446 (VCV003646446.2).
Genomic context (GRCh38, chr2:209,976,117, plus strand): 5'-TAGGTTGGGTTCCTCGGAAGCACACGTCCGCAGGCTCATTTTTCTCTTTTCCCGGTGTGA[A>G]GCGCTGAAGGTGATTCTCGTCTGCTTTGAGAGGCAGCTCGGAAGCCAGTGGTACTGGCTG-3'